The following is an entry in ClinVar:

ClinVar aggregate classification (germline): Benign/Likely benign. Review status: criteria provided, multiple submitters, no conflicts (2 of 4 stars). 3 submissions from 3 submitters: Benign (1); Likely benign (2). Last evaluated 2025-01-07.

Conditions:
Hereditary nonpolyposis colorectal neoplasms. Identifiers: MedGen C0009405, MeSH D003123.
Hereditary cancer-predisposing syndrome. Also called: Hereditary Cancer Syndrome; Tumor predisposition; Hereditary neoplastic syndrome; Neoplastic Syndromes, Hereditary. Identifiers: Orphanet 140162, MedGen C0027672, MeSH D009386, MONDO:0015356.
Lynch syndrome 5 (LYNCH5). Also called: Hereditary non-polyposis colorectal cancer, type 5; Colorectal cancer, hereditary nonpolyposis, type 5. Identifiers: Orphanet 144, MedGen C1833477, MONDO:0013710, OMIM 614350. Disease mechanism: loss of function.

Submissions (3):

Myriad Genetics, Inc.
Classification: Benign for Lynch syndrome 5. Last evaluated: 2025-01-07. Review status: criteria provided, single submitter. Criteria: Myriad Autosomal Dominant, Autosomal Recessive and X-Linked Classification Criteria (2023). Collection method: clinical testing. Allele origin: unknown.
Comment: This variant is considered benign. This variant is a silent/synonymous amino acid change and it is not expected to impact splicing.

Labcorp Genetics (formerly Invitae), Labcorp
Classification: Likely benign for Hereditary nonpolyposis colorectal neoplasms. Last evaluated: 2024-02-17. Review status: criteria provided, single submitter. Criteria: Invitae Variant Classification Sherloc (09022015). Collection method: clinical testing. Allele origin: germline.

Ambry Genetics
Classification: Likely benign for Hereditary cancer-predisposing syndrome. Last evaluated: 2021-12-16. Review status: criteria provided, single submitter. Criteria: Ambry Variant Classification Scheme 2023. Collection method: clinical testing. Allele origin: germline.

NM_000179.3(MSH6):c.3657T>G (p.Thr1219=)

Gene: MSH6 (mutS homolog 6; plus strand). Cytogenetic location: 2p16.3.
Variant type: single nucleotide variant.
Coding change: c.3657T>G on transcript NM_000179.3 (MANE Select); coding-DNA position 3657, T replaced by G.
Protein change: p.Thr1219=; no amino-acid change (threonine 1219 retained).
Molecular consequence: synonymous variant.
Genome position (GRCh38, 1-based): chr2:47,806,214, T>G. VCF-style: chr2-47806214-T-G. GRCh37 (hg19) VCF-style: chr2-48033353-T-G.
Other names: c.3267T>G, p.Thr1089= (NM_001281492.2); c.2751T>G, p.Thr917= (NM_001281493.2, NM_001281494.2).
Identifiers: ClinVar variation 1044698 (VCV001044698.12), dbSNP rs745491567, ClinGen allele CA425997685.